The following is an entry in ClinVar:

NM_000052.7(ATP7A):c.3690C>A (p.Asp1230Glu)

Gene: ATP7A (ATPase copper transporting alpha; plus strand). Cytogenetic location: Xq21.1.
Variant type: single nucleotide variant.
Coding change: c.3690C>A on transcript NM_000052.7 (MANE Select); coding-DNA position 3690, C replaced by A.
Protein change: p.Asp1230Glu; replaces aspartic acid 1230 with glutamic acid.
Molecular consequence: missense variant. On other transcripts: non-coding transcript variant (1).
Genome position (GRCh38, 1-based): chrX:78,040,622, C>A. VCF-style: chrX-78040622-C-A. GRCh37 (hg19) VCF-style: chrX-77296120-C-A.
Other names: c.3456C>A, p.Asp1152Glu (NM_001282224.2); short protein forms D1152E, D1230E.
Identifiers: ClinVar variation 3761577 (VCV003761577.2).
Genomic context (GRCh38, chrX:78,040,622, plus strand): 5'-TCTTTTATTTTGTGCTGCCCCTATATTAGATGAGCTGTGTGGCTTGATAGCCATTGCAGA[C>A]ACAGTGAAGCCTGAAGCAGAACTGGCTATCCATATTCTGAAATCTATGGGCTTAGAAGTA-3'
Protein context (NP_000043.4, residues 1220-1240): DELCGLIAIA[Asp1230Glu]TVKPEAELAI

ClinVar aggregate classification (germline): Uncertain significance (1 of 4 stars; one submission).

Conditions:
Menkes kinky-hair syndrome (MNK). Also called: Copper transport disease; Menkes Disease; Classic Menkes Disease. Identifiers: Orphanet 565, MedGen C0022716, MONDO:0010651, OMIM 309400.
X-linked distal spinal muscular atrophy type 3. Also called: ATP7A-Related Distal Motor Neuropathy; SPINAL MUSCULAR ATROPHY, DISTAL, X-LINKED RECESSIVE; NEURONOPATHY, DISTAL HEREDITARY MOTOR, X-LINKED; NEUROPATHY, DISTAL HEREDITARY MOTOR, X-LINKED. Identifiers: Orphanet 139557, MedGen C1845359, MONDO:0010338, OMIM 300489.
Cutis laxa, X-linked (OHS). Also called: EDS IX; Occipital horn syndrome. Identifiers: Orphanet 198, MedGen C0268353, MONDO:0010572, OMIM 304150.

Submission:

Labcorp Genetics (formerly Invitae), Labcorp
Classification: Uncertain significance for X-linked distal spinal muscular atrophy type 3; Cutis laxa, X-linked; Menkes kinky-hair syndrome. Last evaluated: 2025-01-20. Review status: criteria provided, single submitter. Criteria: Invitae Variant Classification Sherloc (09022015). Collection method: clinical testing. Allele origin: germline.
Comment: This sequence change replaces aspartic acid, which is acidic and polar, with glutamic acid, which is acidic and polar, at codon 1230 of the ATP7A protein (p.Asp1230Glu). This variant is not present in population databases (gnomAD no frequency). This variant has not been reported in the literature in individuals affected with ATP7A-related conditions. Invitae Evidence Modeling of protein sequence and biophysical properties (such as structural, functional, and spatial information, amino acid conservation, physicochemical variation, residue mobility, and thermodynamic stability) indicates that this missense variant is not expected to disrupt ATP7A protein function with a negative predictive value of 95%. In summary, the available evidence is currently insufficient to determine the role of this variant in disease. Therefore, it has been classified as a Variant of Uncertain Significance.